The following is an entry in ClinVar:

ClinVar aggregate classification (germline): Uncertain significance (1 of 4 stars; one submission).

Allele frequency attached by ClinVar (database versions not stated): gnomAD exomes 0.00002 and 0.00006; gnomAD 0.00003; ExAC 0.00007; 1000 Genomes Project 30x 0.00031; 1000 Genomes Project 0.00040.
gnomAD v4.1: 40 of 1,588,874 alleles (0.0025%); highest among the groups gnomAD compares: South Asian, 0.043%; 1 homozygote.

Submission:

Labcorp Genetics (formerly Invitae), Labcorp
Classification: Uncertain significance. Last evaluated: 2024-10-22. Review status: criteria provided, single submitter. Criteria: Invitae Variant Classification Sherloc (09022015). Collection method: clinical testing. Allele origin: germline.
Comment: This sequence change replaces glycine, which is neutral and non-polar, with glutamic acid, which is acidic and polar, at codon 274 of the ANGPT1 protein (p.Gly274Glu). The frequency data for this variant in the population databases is considered unreliable, as metrics indicate poor data quality at this position in the gnomAD database. This variant has not been reported in the literature in individuals affected with ANGPT1-related conditions. ClinVar contains an entry for this variant (Variation ID: 1493072). An algorithm developed to predict the effect of missense changes on protein structure and function (PolyPhen-2) suggests that this variant is likely to be tolerated. In summary, the available evidence is currently insufficient to determine the role of this variant in disease. Therefore, it has been classified as a Variant of Uncertain Significance.

NM_001146.5(ANGPT1):c.821G>A (p.Gly274Glu)

Gene: ANGPT1 (angiopoietin 1; minus strand). Cytogenetic location: 8q23.1.
Variant type: single nucleotide variant.
Coding change: c.821G>A on transcript NM_001146.5 (MANE Select); coding-DNA position 821, G replaced by A.
Protein change: p.Gly274Glu; replaces glycine 274 with glutamic acid.
Molecular consequence: missense variant.
Genome position (GRCh38, 1-based): chr8:107,303,355, C>T on the plus strand (G>A on the coding strand, the complement: ANGPT1 is on the minus strand). VCF-style: chr8-107303355-C-T. GRCh37 (hg19) VCF-style: chr8-108315583-C-T.
Other names: c.818G>A, p.Gly273Glu (NM_001199859.3); c.221G>A, p.Gly74Glu (NM_001314051.2); short protein forms G273E, G274E, G74E.
Identifiers: ClinVar variation 1493072 (VCV001493072.6), dbSNP rs549007148, ClinGen allele CA4841243.
Genomic context (GRCh38, chr8:107,303,355, plus strand): 5'-AAACCAGCTTGATATACATCTGCACAGTCTCTAAATGGTTTCTCTTCCTCTCTTTTTCCT[C>T]CCTTTAGTAAAACTGCAAAAAAAAAAAAAAAGATTGCAATATGTGAATATCAGTACCATT-3'
Protein context (NP_001137.2, residues 264-284): LCTKEGVLLK[Gly274Glu]GKREEEKPFR